The following is an entry in ClinVar:

NM_001368809.2(AMPD2):c.-46C>G

Gene: AMPD2 (adenosine monophosphate deaminase 2; plus strand). Cytogenetic location: 1p13.3.
Variant type: single nucleotide variant.
Coding change: c.-46C>G on transcript NM_001368809.2 (MANE Select); 46 bases upstream of the start codon, C replaced by G.
Molecular consequence: 5 prime UTR variant. On other transcripts: missense variant (1), intron variant (1).
Genome position (GRCh38, 1-based): chr1:109,621,130, C>G. VCF-style: chr1-109621130-C-G. GRCh37 (hg19) VCF-style: chr1-110163752-C-G.
Other names: c.23C>G, p.Ala8Gly (NM_001308170.1); c.10+852C>G (NM_139156.4); short protein forms A8G.
Identifiers: ClinVar variation 1427576 (VCV001427576.5), dbSNP rs1650210949, ClinGen allele CA341548092.

ClinVar aggregate classification (germline): Uncertain significance (1 of 4 stars; one submission).

Conditions:
Pontocerebellar hypoplasia type 9. Identifiers: Orphanet 369920, MedGen C4014354, MONDO:0014351, OMIM 615809.
Hereditary spastic paraplegia 63. Also called: Spastic paraplegia 63, autosomal recessive. Identifiers: Orphanet 401805, MedGen C3810295, MONDO:0014305, OMIM 615686.

Allele frequency attached by ClinVar (database versions not stated): gnomAD exomes below 0.00001.
gnomAD v4.1: 2 of 1,598,684 alleles (0.00013%); highest among the groups gnomAD compares: East Asian, 0.0023%; no homozygotes.

Submission:

Labcorp Genetics (formerly Invitae), Labcorp
Classification: Uncertain significance for Pontocerebellar hypoplasia type 9; Hereditary spastic paraplegia 63. Last evaluated: 2022-08-23. Review status: criteria provided, single submitter. Criteria: Invitae Variant Classification Sherloc (09022015). Collection method: clinical testing. Allele origin: germline.
Comment: In summary, the available evidence is currently insufficient to determine the role of this variant in disease. Therefore, it has been classified as a Variant of Uncertain Significance. Algorithms developed to predict the effect of missense changes on protein structure and function output the following: SIFT: "Tolerated"; PolyPhen-2: "Benign"; Align-GVGD: "Class C0". The arginine amino acid residue is found in multiple mammalian species, which suggests that this missense change does not adversely affect protein function. ClinVar contains an entry for this variant (Variation ID: 1427576). This variant has not been reported in the literature in individuals affected with AMPD2-related conditions. This variant is not present in population databases (gnomAD no frequency). This sequence change replaces serine, which is neutral and polar, with arginine, which is basic and polar, at codon 39 of the AMPD2 protein (p.Ser39Arg).